The following is an entry in ClinVar:

ClinVar aggregate classification (germline): Uncertain significance. Review status: criteria provided, multiple submitters, no conflicts (2 of 4 stars). 3 submissions from 3 submitters: Uncertain significance (3). Last evaluated 2024-12-17.

Conditions:
Neurodevelopmental disorder with coarse facies and mild distal skeletal abnormalities. Also called: STOLERMAN NEURODEVELOPMENTAL SYNDROME. Identifiers: MedGen C5193134, MONDO:0032790, OMIM 618505.
Inborn genetic diseases. Identifiers: MedGen C0950123, MeSH D030342.

Allele frequency attached by ClinVar (database versions not stated): gnomAD exomes 0.00001; gnomAD 0.00005; ExAC 0.00022.
gnomAD v4.1: 21 of 1,555,492 alleles (0.0014%); highest among the groups gnomAD compares: African/African-American, 0.0068%; no homozygotes.

Submissions (3):

Ambry Genetics
Classification: Uncertain significance for Inborn genetic diseases. Last evaluated: 2024-12-17. Review status: criteria provided, single submitter. Criteria: Ambry Variant Classification Scheme 2023. Collection method: clinical testing. Allele origin: germline.

Centre of Medical Genetics, University Hospital Muenster
Classification: Uncertain significance. Last evaluated: 2023-01-02. Review status: criteria provided, single submitter. Criteria: ACMG Guidelines, 2015. Collection method: clinical testing. Allele origin: unknown. Affected: yes. Observed: 1 variant allele, 1 heterozygote.
Comment: ACMG categories: PP3,BP1

Revvity Omics, Revvity
Classification: Uncertain significance for Neurodevelopmental disorder with coarse facies and mild distal skeletal abnormalities. Last evaluated: 2022-12-15. Review status: criteria provided, single submitter. Criteria: ACMG Guidelines, 2015. Collection method: clinical testing. Allele origin: germline.

NM_001348716.2(KDM6B):c.2995C>T (p.Arg999Cys)

Gene: KDM6B (lysine demethylase 6B; plus strand). Cytogenetic location: 17p13.1.
Variant type: single nucleotide variant.
Coding change: c.2995C>T on transcript NM_001348716.2 (MANE Select); coding-DNA position 2995, C replaced by T.
Protein change: p.Arg999Cys; replaces arginine 999 with cysteine.
Molecular consequence: missense variant.
Genome position (GRCh38, 1-based): chr17:7,849,283, C>T. VCF-style: chr17-7849283-C-T. GRCh37 (hg19) VCF-style: chr17-7752601-C-T.
Other names: c.2995C>T, p.Arg999Cys (NM_001080424.2); c.2995C>T (NM_001080424.1); short protein forms R999C.
Identifiers: ClinVar variation 2430317 (VCV002430317.5), dbSNP rs778055366, ClinGen allele CA8361057.
Genomic context (GRCh38, chr17:7,849,283, plus strand): 5'-CATCAGAAGGAGCATCGGCGGCACAGGCGGGCCTGTAAGGACAGTGTGGGTCGTCGGCCC[C>T]GTGAGGGCAGGGCAAAGGCCAAGGCCAAGGTCCCCAAAGAAAAGAGCCGCCGGGTGCTGG-3'
Protein context (NP_001335645.1, residues 989-1009): ACKDSVGRRP[Arg999Cys]EGRAKAKAKV